The following is an entry in ClinVar:

ClinVar aggregate classification (germline): Pathogenic (1 of 4 stars; one submission).

Conditions:
Joubert syndrome and related disorders. Identifiers: Orphanet 140874, MedGen C5679612, MONDO:0015369.

Submission:

Myriad Genetics, Inc.
Classification: Pathogenic for Joubert syndrome and related disorders. Last evaluated: 2025-08-20. Review status: criteria provided, single submitter. Criteria: Myriad Autosomal Dominant, Autosomal Recessive and X-Linked Classification Criteria (2023). Collection method: clinical testing. Allele origin: unknown.
Comment: NM_001080522.2(CC2D2A):c.650_651delGAinsC(G217Afs*41) is expected to be pathogenic in the context of CC2D2A-related disorders. This variant is predicted to lead to an abnormal or absent protein product due to the creation of a premature termination codon in CC2D2A, a gene where loss-of-function variants are known to be pathogenic. Please note: this variant was assessed in the context of healthy population screening.

NM_001378615.1(CC2D2A):c.650_651delinsC (p.Gly217fs)

Genes: CC2D2A (coiled-coil and C2 domain containing 2A; plus strand), FBXL5 (F-box and leucine rich repeat protein 5; minus strand). Cytogenetic location: 4p15.32.
Variant type: Indel.
Coding change: c.650_651delinsC on transcript NM_001378615.1 (MANE Select); coding-DNA positions 650 to 651, GA replaced by C.
Protein change: p.Gly217fs; shifts the reading frame from glycine 217.
Molecular consequence: frameshift variant.
Genome position (GRCh38, 1-based): chr4:15,511,356-15,511,357, GA replaced by C. VCF-style: chr4-15511356-GA-C. GRCh37 (hg19) VCF-style: chr4-15512979-GA-C.
Other names: c.650_651delinsC, p.Gly217fs (NM_001080522.2); c.503_504delinsC, p.Gly168fs (NM_001378617.1); short protein forms G168fs, G217fs.
Identifiers: ClinVar variation 5014897 (VCV005014897.1).